The following is an entry in ClinVar:

NM_000094.4(COL7A1):c.1552G>A (p.Glu518Lys)

Gene: COL7A1 (collagen type VII alpha 1 chain; minus strand). Cytogenetic location: 3p21.31.
Variant type: single nucleotide variant.
Coding change: c.1552G>A on transcript NM_000094.4 (MANE Select); coding-DNA position 1552, G replaced by A.
Protein change: p.Glu518Lys; replaces glutamic acid 518 with lysine.
Molecular consequence: missense variant.
Genome position (GRCh38, 1-based): chr3:48,591,548, C>T on the plus strand (G>A on the coding strand, the complement: COL7A1 is on the minus strand). VCF-style: chr3-48591548-C-T. GRCh37 (hg19) VCF-style: chr3-48628981-C-T.
Other names: short protein forms E518K.
Identifiers: ClinVar variation 4751602 (VCV004751602.1).

ClinVar aggregate classification (germline): Uncertain significance (1 of 4 stars; one submission).

gnomAD v4.1: 14 of 1,613,630 alleles (0.00087%); highest among the groups gnomAD compares: East Asian, 0.0067%; no homozygotes.

Submission:

Labcorp Genetics (formerly Invitae), Labcorp
Classification: Uncertain significance. Last evaluated: 2026-01-22. Review status: criteria provided, single submitter. Criteria: Invitae Variant Classification Sherloc (09022015). Collection method: clinical testing. Allele origin: germline.
Comment: This sequence change replaces glutamic acid, which is acidic and polar, with lysine, which is basic and polar, at codon 518 of the COL7A1 protein (p.Glu518Lys). This variant is present in population databases (rs767452404, gnomAD 0.006%). This variant has not been reported in the literature in individuals affected with COL7A1-related conditions. Invitae Evidence Modeling of protein sequence and biophysical properties (such as structural, functional, and spatial information, amino acid conservation, physicochemical variation, residue mobility, and thermodynamic stability) indicates that this missense variant is not expected to disrupt COL7A1 protein function with a negative predictive value of 95%. In summary, the available evidence is currently insufficient to determine the role of this variant in disease. Therefore, it has been classified as a Variant of Uncertain Significance.